The following is an entry in ClinVar:

ClinVar aggregate classification (germline): Uncertain significance (1 of 4 stars; one submission).

Conditions:
Amelocerebrohypohidrotic syndrome (KTZS). Also called: Kohlschutter's syndrome; EPILEPSY AND YELLOW TEETH; EPILEPSY, DEMENTIA, AND AMELOGENESIS IMPERFECTA; KOHLSCHUTTER SYNDROME. Identifiers: Orphanet 1946, MedGen C0406740, MONDO:0009185, OMIM 226750.

Submission:

Labcorp Genetics (formerly Invitae), Labcorp
Classification: Uncertain significance for Amelocerebrohypohidrotic syndrome. Last evaluated: 2022-07-14. Review status: criteria provided, single submitter. Criteria: Invitae Variant Classification Sherloc (09022015). Collection method: clinical testing. Allele origin: germline.
Comment: In summary, the available evidence is currently insufficient to determine the role of this variant in disease. Therefore, it has been classified as a Variant of Uncertain Significance. Algorithms developed to predict the effect of missense changes on protein structure and function are either unavailable or do not agree on the potential impact of this missense change (SIFT: "Deleterious"; PolyPhen-2: "Probably Damaging"; Align-GVGD: "Class C15"). This variant has not been reported in the literature in individuals affected with ROGDI-related conditions. This variant is not present in population databases (gnomAD no frequency). This sequence change replaces histidine, which is basic and polar, with tyrosine, which is neutral and polar, at codon 28 of the ROGDI protein (p.His28Tyr).

NM_024589.3(ROGDI):c.82C>T (p.His28Tyr)

Gene: ROGDI (rogdi atypical leucine zipper; minus strand). Cytogenetic location: 16p13.3.
Variant type: single nucleotide variant.
Coding change: c.82C>T on transcript NM_024589.3 (MANE Select); coding-DNA position 82, C replaced by T.
Protein change: p.His28Tyr; replaces histidine 28 with tyrosine.
Molecular consequence: missense variant. On other transcripts: non-coding transcript variant (1).
Genome position (GRCh38, 1-based): chr16:4,802,417, G>A on the plus strand (C>T on the coding strand, the complement: ROGDI is on the minus strand). VCF-style: chr16-4802417-G-A. GRCh37 (hg19) VCF-style: chr16-4852418-G-A.
Other names: short protein forms H28Y.
Identifiers: ClinVar variation 2016904 (VCV002016904.4), dbSNP rs2505736050, ClinGen allele CA394656594.